The following is an entry in ClinVar:

NM_001999.4(FBN2):c.1057A>G (p.Thr353Ala)

Gene: FBN2 (fibrillin 2; minus strand). Cytogenetic location: 5q23.3.
Variant type: single nucleotide variant.
Coding change: c.1057A>G on transcript NM_001999.4 (MANE Select); coding-DNA position 1057, A replaced by G.
Protein change: p.Thr353Ala; replaces threonine 353 with alanine.
Molecular consequence: missense variant.
Genome position (GRCh38, 1-based): chr5:128,408,695, T>C on the plus strand (A>G on the coding strand, the complement: FBN2 is on the minus strand). VCF-style: chr5-128408695-T-C. GRCh37 (hg19) VCF-style: chr5-127744388-T-C.
Other names: short protein forms T353A.
Identifiers: ClinVar variation 1215500 (VCV001215500.14), dbSNP rs149992874, ClinGen allele CA3395905.
Genomic context (GRCh38, chr5:128,408,695, plus strand): 5'-AAGACCCAGTGTATTGAGCCTTCAAAATGCGAGGCTTACCGATGCATCGAGAGCCATCTG[T>C]TGAGGTTACATATCCACGTGGACAAACACAAAAATAGCTTCCCACGGTGTTGGAACATTC-3'
Protein context (NP_001990.2, residues 343-363): CVCPRGYVTS[Thr353Ala]DGSRCIDQRT

ClinVar aggregate classification (germline): Conflicting classifications of pathogenicity. Review status: criteria provided, conflicting classifications (1 of 4 stars). 4 submissions from 4 submitters: Uncertain significance (1); Benign (1); Likely benign (1). 1 of the submissions does not count toward it. Last evaluated 2025-07-23.

Conditions:
Congenital contractural arachnodactyly (CCA). Also called: BEALS SYNDROME; Beals-Hecht syndrome; Arthrogryposis, distal, type 9. Identifiers: Orphanet 115, MedGen C0220668, MONDO:0007363, OMIM 121050.
FBN2-related disorder. Also called: FBN2-related condition.
Familial thoracic aortic aneurysm and aortic dissection (TAAD). Also called: Thoracic aortic aneurysms and dissections. Identifiers: Orphanet 91387, MedGen C4707243, MONDO:0019625.

Allele frequency attached by ClinVar (database versions not stated): ExAC 0.00005; gnomAD exomes 0.00008; gnomAD 0.00026 and 0.00029; TOPMed 0.00028; ESP Exome Variant Server 0.00046.
gnomAD v4.1: 77 of 1,613,914 alleles (0.0048%); highest among the groups gnomAD compares: African/African-American, 0.099%; no homozygotes.

Submissions (4):

Labcorp Genetics (formerly Invitae), Labcorp
Classification: Benign for Congenital contractural arachnodactyly. Last evaluated: 2025-07-23. Review status: criteria provided, single submitter. Criteria: Invitae Variant Classification Sherloc (09022015). Collection method: clinical testing. Allele origin: germline.

Ambry Genetics
Classification: Uncertain significance for Familial thoracic aortic aneurysm and aortic dissection. Last evaluated: 2025-05-07. Review status: criteria provided, single submitter. Criteria: Ambry Variant Classification Scheme 2023. Collection method: clinical testing. Allele origin: germline.
Comment: The p.T353A variant (also known as c.1057A>G), located in coding exon 8 of the FBN2 gene, results from an A to G substitution at nucleotide position 1057. The threonine at codon 353 is replaced by alanine, an amino acid with similar properties. This amino acid position is well conserved in available vertebrate species. In addition, this alteration is predicted to be tolerated by in silico analysis. Based on the available evidence, the clinical significance of this variant remains unclear.

GeneDx
Classification: Likely benign. Last evaluated: 2021-02-18. Review status: criteria provided, single submitter. Criteria: GeneDx Variant Classification Process June 2021. Collection method: clinical testing. Allele origin: germline. Affected: yes.

PreventionGenetics, part of Exact Sciences
Classification: Likely benign for FBN2-related condition. Last evaluated: 2023-01-03. Review status: no assertion criteria provided. Collection method: clinical testing. Allele origin: germline. Not counted in ClinVar's aggregate classification.
Comment: This variant is classified as likely benign based on ACMG/AMP sequence variant interpretation guidelines (Richards et al. 2015 PMID: 25741868, with internal and published modifications).